The following is an entry in ClinVar:

ClinVar aggregate classification (germline): Benign/Likely benign. Review status: criteria provided, multiple submitters, no conflicts (2 of 4 stars). 5 submissions from 5 submitters: Benign (1); Likely benign (4). Last evaluated 2025-07-25.

Conditions:
Lynch syndrome 5 (LYNCH5). Also called: Hereditary non-polyposis colorectal cancer, type 5; Colorectal cancer, hereditary nonpolyposis, type 5. Identifiers: Orphanet 144, MedGen C1833477, MONDO:0013710, OMIM 614350. Disease mechanism: loss of function.
Hereditary cancer-predisposing syndrome. Also called: Hereditary Cancer Syndrome; Neoplastic Syndromes, Hereditary; Hereditary neoplastic syndrome; Tumor predisposition. Identifiers: Orphanet 140162, MedGen C0027672, MeSH D009386, MONDO:0015356.
Hereditary nonpolyposis colorectal neoplasms. Identifiers: MedGen C0009405, MeSH D003123.
Lynch syndrome. Identifiers: Orphanet 144, MedGen C4552100, MONDO:0005835. Disease mechanism: loss of function.

Allele frequency attached by ClinVar (database versions not stated): gnomAD exomes below 0.00001.
gnomAD v4.1: 2 of 1,614,200 alleles (0.00012%); highest among the groups gnomAD compares: East Asian, 0.0045%; no homozygotes.

Submissions (5):

Labcorp Genetics (formerly Invitae), Labcorp
Classification: Likely benign for Hereditary nonpolyposis colorectal neoplasms. Last evaluated: 2025-07-25. Review status: criteria provided, single submitter. Criteria: Invitae Variant Classification Sherloc (09022015). Collection method: clinical testing. Allele origin: germline.

Myriad Genetics, Inc.
Classification: Benign for Lynch syndrome 5. Last evaluated: 2024-12-30. Review status: criteria provided, single submitter. Criteria: Myriad Autosomal Dominant, Autosomal Recessive and X-Linked Classification Criteria (2023). Collection method: clinical testing. Allele origin: unknown.
Comment: This variant is considered benign. This variant is a silent/synonymous amino acid change and it is not expected to impact splicing.

All of Us Research Program, National Institutes of Health
Classification: Likely benign for Lynch syndrome. Last evaluated: 2023-02-24. Review status: criteria provided, single submitter. Criteria: ACMG Guidelines, 2015. Collection method: clinical testing. Allele origin: germline. Inheritance: Autosomal dominant inheritance. Observed: 1 variant allele, 1 heterozygote.
Comment: This study involves interpretation of variants in research participants for the purpose of population health screening. Participant phenotype was not available at the time of variant classification. Additional details can be found in publication PMID: 35346344, PMCID: PMC8962531

Color Diagnostics, LLC DBA Color Health
Classification: Likely benign for Hereditary cancer-predisposing syndrome. Last evaluated: 2017-01-09. Review status: criteria provided, single submitter. Criteria: ACMG Guidelines, 2015. Collection method: clinical testing. Allele origin: germline.

Ambry Genetics
Classification: Likely benign for Hereditary cancer-predisposing syndrome. Last evaluated: 2016-08-11. Review status: criteria provided, single submitter. Criteria: Ambry Variant Classification Scheme 2023. Collection method: clinical testing. Allele origin: germline.

NM_000179.3(MSH6):c.2121A>G (p.Glu707=)

Gene: MSH6 (mutS homolog 6; plus strand). Cytogenetic location: 2p16.3.
Variant type: single nucleotide variant.
Coding change: c.2121A>G on transcript NM_000179.3 (MANE Select); coding-DNA position 2121, A replaced by G.
Protein change: p.Glu707=; no amino-acid change (glutamic acid 707 retained).
Molecular consequence: synonymous variant.
Genome position (GRCh38, 1-based): chr2:47,800,104, A>G. VCF-style: chr2-47800104-A-G. GRCh37 (hg19) VCF-style: chr2-48027243-A-G.
Other names: c.1731A>G, p.Glu577= (NM_001281492.2); c.1215A>G, p.Glu405= (NM_001281493.2, NM_001281494.2).
Identifiers: ClinVar variation 428437 (VCV000428437.14), dbSNP rs1114167798, ClinGen allele CA426121561.